The following is an entry in ClinVar:

NM_000553.6(WRN):c.2224A>G (p.Lys742Glu)

Gene: WRN (WRN RecQ like helicase; plus strand). Cytogenetic location: 8p12.
Variant type: single nucleotide variant.
Coding change: c.2224A>G on transcript NM_000553.6 (MANE Select); coding-DNA position 2224, A replaced by G.
Protein change: p.Lys742Glu; replaces lysine 742 with glutamic acid.
Molecular consequence: missense variant.
Genome position (GRCh38, 1-based): chr8:31,111,750, A>G. VCF-style: chr8-31111750-A-G. GRCh37 (hg19) VCF-style: chr8-30969266-A-G.
Other names: short protein forms K742E.
Identifiers: ClinVar variation 936107 (VCV000936107.3), dbSNP rs1294260404, ClinGen allele CA370912837.

ClinVar aggregate classification (germline): Uncertain significance. Review status: criteria provided, multiple submitters, no conflicts (2 of 4 stars). 2 submissions from 2 submitters: Uncertain significance (2). Last evaluated 2025-08-02.

Conditions:
Inborn genetic diseases. Identifiers: MedGen C0950123, MeSH D030342.
Werner syndrome (WRN). Identifiers: Orphanet 902, MedGen C0043119, MONDO:0010196, OMIM 277700.

Submissions (2):

Ambry Genetics
Classification: Uncertain significance for Inborn genetic diseases. Last evaluated: 2025-08-02. Review status: criteria provided, single submitter. Criteria: Ambry Variant Classification Scheme 2023. Collection method: clinical testing. Allele origin: germline.

Labcorp Genetics (formerly Invitae), Labcorp
Classification: Uncertain significance for Werner syndrome. Last evaluated: 2019-07-04. Review status: criteria provided, single submitter. Criteria: Invitae Variant Classification Sherloc (09022015). Collection method: clinical testing. Allele origin: germline.
Comment: This sequence change replaces lysine with glutamic acid at codon 742 of the WRN protein (p.Lys742Glu). The lysine residue is highly conserved and there is a small physicochemical difference between lysine and glutamic acid. This variant is not present in population databases (ExAC no frequency). This variant has not been reported in the literature in individuals with WRN-related conditions. Algorithms developed to predict the effect of missense changes on protein structure and function are either unavailable or do not agree on the potential impact of this missense change (SIFT: Deleterious; PolyPhen-2: Probably Damaging; Align-GVGD: Class C0). In summary, the available evidence is currently insufficient to determine the role of this variant in disease. Therefore, it has been classified as a Variant of Uncertain Significance.